The following is an entry in ClinVar:

ClinVar aggregate classification (germline): Uncertain significance (1 of 4 stars; one submission).

Conditions:
Pontocerebellar hypoplasia type 9. Identifiers: Orphanet 369920, MedGen C4014354, MONDO:0014351, OMIM 615809.
Hereditary spastic paraplegia 63. Also called: Spastic paraplegia 63, autosomal recessive. Identifiers: Orphanet 401805, MedGen C3810295, MONDO:0014305, OMIM 615686.

Allele frequency attached by ClinVar (database versions not stated): gnomAD exomes below 0.00001; gnomAD 0.00001.
gnomAD v4.1: 2 of 1,604,686 alleles (0.00012%); highest among the groups gnomAD compares: East Asian, 0.0045%; no homozygotes.

Submission:

Labcorp Genetics (formerly Invitae), Labcorp
Classification: Uncertain significance for Pontocerebellar hypoplasia type 9; Hereditary spastic paraplegia 63. Last evaluated: 2021-04-23. Review status: criteria provided, single submitter. Criteria: Invitae Variant Classification Sherloc (09022015). Collection method: clinical testing. Allele origin: germline.
Comment: This sequence change replaces glutamic acid with lysine at codon 340 of the AMPD2 protein (p.Glu340Lys). The glutamic acid residue is moderately conserved and there is a small physicochemical difference between glutamic acid and lysine. This variant is not present in population databases (ExAC no frequency). This variant has not been reported in the literature in individuals with AMPD2-related conditions. Algorithms developed to predict the effect of missense changes on protein structure and function are either unavailable or do not agree on the potential impact of this missense change (SIFT: "Deleterious"; PolyPhen-2: "Benign"; Align-GVGD: "Class C15"). In summary, the available evidence is currently insufficient to determine the role of this variant in disease. Therefore, it has been classified as a Variant of Uncertain Significance.

NM_001368809.2(AMPD2):c.856G>A (p.Glu286Lys)

Gene: AMPD2 (adenosine monophosphate deaminase 2; plus strand). Cytogenetic location: 1p13.3.
Variant type: single nucleotide variant.
Coding change: c.856G>A on transcript NM_001368809.2 (MANE Select); coding-DNA position 856, G replaced by A.
Protein change: p.Glu286Lys; replaces glutamic acid 286 with lysine.
Molecular consequence: missense variant.
Genome position (GRCh38, 1-based): chr1:109,627,312, G>A. VCF-style: chr1-109627312-G-A. GRCh37 (hg19) VCF-style: chr1-110169934-G-A.
Other names: c.664G>A, p.Glu222Lys (NM_001257361.2); c.793G>A, p.Glu265Lys (NM_001308170.1); c.856G>A, p.Glu286Lys (NM_004037.9); c.775G>A, p.Glu259Lys (NM_139156.4); short protein forms E265K, E286K, E222K, E259K.
Identifiers: ClinVar variation 1477455 (VCV001477455.8), dbSNP rs1255257133, ClinGen allele CA341556422.